The following is an entry in ClinVar:

ClinVar aggregate classification (germline): Uncertain significance (1 of 4 stars; one submission).

Conditions:
Hereditary breast ovarian cancer syndrome. Also called: Hereditary breast and ovarian cancer syndrome (HBOC); Breast and ovarian cancer; BRCA1- and BRCA2-Associated Hereditary Breast and Ovarian Cancer; Hereditary breast and ovarian cancer syndrome; Hereditary breast and ovarian cancer; Hereditary breast and/or ovarian cancer syndrome. Identifiers: Orphanet 145, MedGen C0677776, MeSH D061325, MONDO:0003582. Disease mechanism: loss of function.

Submission:

Labcorp Genetics (formerly Invitae), Labcorp
Classification: Uncertain significance for Hereditary breast ovarian cancer syndrome. Last evaluated: 2023-03-09. Review status: criteria provided, single submitter. Criteria: Invitae Variant Classification Sherloc (09022015). Collection method: clinical testing. Allele origin: germline.
Comment: In summary, the available evidence is currently insufficient to determine the role of this variant in disease. Therefore, it has been classified as a Variant of Uncertain Significance. This sequence change replaces proline, which is neutral and non-polar, with alanine, which is neutral and non-polar, at codon 364 of the BRCA1 protein (p.Pro364Ala). This variant is not present in population databases (gnomAD no frequency). This variant has not been reported in the literature in individuals affected with BRCA1-related conditions. Advanced modeling of protein sequence and biophysical properties (such as structural, functional, and spatial information, amino acid conservation, physicochemical variation, residue mobility, and thermodynamic stability) performed at Invitae indicates that this missense variant is not expected to disrupt BRCA1 protein function.

NM_007294.4(BRCA1):c.1090C>G (p.Pro364Ala)

Gene: BRCA1 (BRCA1 DNA repair associated; minus strand). Cytogenetic location: 17q21.31.
Variant type: single nucleotide variant.
Coding change: c.1090C>G on transcript NM_007294.4 (MANE Select); coding-DNA position 1090, C replaced by G.
Protein change: p.Pro364Ala; replaces proline 364 with alanine.
Molecular consequence: missense variant. On other transcripts: intron variant (137).
Genome position (GRCh38, 1-based): chr17:43,094,441, G>C on the plus strand (C>G on the coding strand, the complement: BRCA1 is on the minus strand). VCF-style: chr17-43094441-G-C. GRCh37 (hg19) VCF-style: chr17-41246458-G-C.
Other names: c.967C>G, p.Pro323Ala (NM_001407675.1, NM_001407676.1, NM_001407677.1 and 19 more transcripts); c.1090C>G, p.Pro364Ala (NM_001407684.1, NM_001407581.1, NM_001407582.1 and 30 more transcripts); c.877C>G, p.Pro293Ala (NM_001407571.1, NM_001407853.1, NM_001407894.1 and 9 more transcripts); c.1087C>G, p.Pro363Ala (NM_001407587.1, NM_001407590.1, NM_001407591.1 and 22 more transcripts); c.1081C>G, p.Pro361Ala (NM_001407646.1, NM_001407647.1); c.964C>G, p.Pro322Ala (NM_001407649.1, NM_001407670.1, NM_001407671.1 and 11 more transcripts); c.1012C>G, p.Pro338Ala (NM_001407653.1, NM_001407654.1, NM_001407655.1 and 4 more transcripts); c.1009C>G, p.Pro337Ala (NM_001407659.1, NM_001407660.1, NM_001407661.1 and 1 more transcripts); and 40 more; short protein forms P196A, P253A, P276A, P338A, P361A, P237A, P293A, P297A.
Identifiers: ClinVar variation 2842763 (VCV002842763.3), dbSNP rs876660309, ClinGen allele CA10599878.